The following is an entry in ClinVar:

NM_002292.4(LAMB2):c.2587C>T (p.Arg863Cys)

Genes: LAMB2 (laminin subunit beta 2; minus strand), LOC129936738 (ATAC-STARR-seq lymphoblastoid active region 19855; plus strand). Cytogenetic location: 3p21.31.
Variant type: single nucleotide variant.
Coding change: c.2587C>T on transcript NM_002292.4 (MANE Select); coding-DNA position 2587, C replaced by T.
Protein change: p.Arg863Cys; replaces arginine 863 with cysteine.
Molecular consequence: missense variant.
Genome position (GRCh38, 1-based): chr3:49,125,386, G>A on the plus strand (C>T on the coding strand, the complement: LAMB2 is on the minus strand). VCF-style: chr3-49125386-G-A. GRCh37 (hg19) VCF-style: chr3-49162819-G-A.
Other names: short protein forms R863C.
Identifiers: ClinVar variation 2554080 (VCV002554080.5), dbSNP rs1055560126, ClinGen allele CA74480984.

ClinVar aggregate classification (germline): Uncertain significance. Review status: criteria provided, multiple submitters, no conflicts (2 of 4 stars). 3 submissions from 3 submitters: Uncertain significance (3). Last evaluated 2025-12-16.

Conditions:
LAMB2-related infantile-onset nephrotic syndrome. Also called: Nephrotic Syndrome, type 5; NEPHROTIC SYNDROME, TYPE 5, WITHOUT OCULAR ABNORMALITIES; NEPHROTIC SYNDROME, TYPE 5, WITH OCULAR ABNORMALITIES. Identifiers: Orphanet 306507, MedGen C3280113, MONDO:0013621, OMIM 614199.
Pierson syndrome. Also called: MICROCORIA-CONGENITAL NEPHROTIC SYNDROME. Identifiers: Orphanet 2670, MedGen C1836876, MONDO:0012184, OMIM 609049.
Inborn genetic diseases. Identifiers: MedGen C0950123, MeSH D030342.

gnomAD v4.1: 10 of 1,614,070 alleles (0.00062%); highest among the groups gnomAD compares: African/African-American, 0.0013%; no homozygotes.

Submissions (3):

Ambry Genetics
Classification: Uncertain significance for Inborn genetic diseases. Last evaluated: 2025-12-16. Review status: criteria provided, single submitter. Criteria: Ambry Variant Classification Scheme 2023. Collection method: clinical testing. Allele origin: germline.

Labcorp Genetics (formerly Invitae), Labcorp
Classification: Uncertain significance for LAMB2-related infantile-onset nephrotic syndrome; Pierson syndrome. Last evaluated: 2025-04-16. Review status: criteria provided, single submitter. Criteria: Invitae Variant Classification Sherloc (09022015). Collection method: clinical testing. Allele origin: germline.
Comment: This sequence change replaces arginine, which is basic and polar, with cysteine, which is neutral and slightly polar, at codon 863 of the LAMB2 protein (p.Arg863Cys). This variant is present in population databases (no rsID available, gnomAD 0.01%). This variant has not been reported in the literature in individuals affected with LAMB2-related conditions. ClinVar contains an entry for this variant (Variation ID: 2554080). An algorithm developed to predict the effect of missense changes on protein structure and function (PolyPhen-2) suggests that this variant is likely to be disruptive. In summary, the available evidence is currently insufficient to determine the role of this variant in disease. Therefore, it has been classified as a Variant of Uncertain Significance.

Fulgent Genetics
Classification: Uncertain significance for Pierson syndrome; LAMB2-related infantile-onset nephrotic syndrome. Last evaluated: 2024-02-19. Review status: criteria provided, single submitter. Criteria: ACMG Guidelines, 2015. Collection method: clinical testing. Allele origin: germline.